The following is an entry in ClinVar:

ClinVar aggregate classification (germline): Uncertain significance. Review status: criteria provided, multiple submitters, no conflicts (2 of 4 stars). 2 submissions from 2 submitters: Uncertain significance (2). Last evaluated 2025-03-13.

Conditions:
Baller-Gerold syndrome (BGS). Also called: CRANIOSYNOSTOSIS WITH RADIAL DEFECTS. Identifiers: Orphanet 1225, MedGen C0265308, MONDO:0009039, OMIM 218600.
Inborn genetic diseases. Identifiers: MedGen C0950123, MeSH D030342.

Allele frequency attached by ClinVar (database versions not stated): gnomAD exomes below 0.00001 and 0.00001; gnomAD 0.00001; TOPMed 0.00001.
gnomAD v4.1: 17 of 1,611,858 alleles (0.0011%); highest among the groups gnomAD compares: Non-Finnish European, 0.0014%; no homozygotes.

Submissions (2):

Labcorp Genetics (formerly Invitae), Labcorp
Classification: Uncertain significance for Baller-Gerold syndrome. Last evaluated: 2025-03-13. Review status: criteria provided, single submitter. Criteria: Invitae Variant Classification Sherloc (09022015). Collection method: clinical testing. Allele origin: germline.
Comment: This sequence change replaces histidine, which is basic and polar, with tyrosine, which is neutral and polar, at codon 362 of the RECQL4 protein (p.His362Tyr). This variant is present in population databases (no rsID available, gnomAD 0.0009%). This variant has not been reported in the literature in individuals affected with RECQL4-related conditions. ClinVar contains an entry for this variant (Variation ID: 944943). Invitae Evidence Modeling of protein sequence and biophysical properties (such as structural, functional, and spatial information, amino acid conservation, physicochemical variation, residue mobility, and thermodynamic stability) indicates that this missense variant is not expected to disrupt RECQL4 protein function with a negative predictive value of 80%. In summary, the available evidence is currently insufficient to determine the role of this variant in disease. Therefore, it has been classified as a Variant of Uncertain Significance.

Ambry Genetics
Classification: Uncertain significance for Inborn genetic diseases. Last evaluated: 2025-02-14. Review status: criteria provided, single submitter. Criteria: Ambry Variant Classification Scheme 2023. Collection method: clinical testing. Allele origin: germline.
Comment: The p.H362Y variant (also known as c.1084C>T), located in coding exon 5 of the RECQL4 gene, results from a C to T substitution at nucleotide position 1084. The histidine at codon 362 is replaced by tyrosine, an amino acid with similar properties. This amino acid position is conserved. In addition, this alteration is predicted to be tolerated by in silico analysis. Based on the available evidence, the clinical significance of this variant remains unclear.

NM_004260.4(RECQL4):c.1084C>T (p.His362Tyr)

Gene: RECQL4 (RecQ like helicase 4; minus strand). Cytogenetic location: 8q24.3.
Variant type: single nucleotide variant.
Coding change: c.1084C>T on transcript NM_004260.4 (MANE Select); coding-DNA position 1084, C replaced by T.
Protein change: p.His362Tyr; replaces histidine 362 with tyrosine.
Molecular consequence: missense variant.
Genome position (GRCh38, 1-based): chr8:144,516,035, G>A on the plus strand (C>T on the coding strand, the complement: RECQL4 is on the minus strand). VCF-style: chr8-144516035-G-A. GRCh37 (hg19) VCF-style: chr8-145741419-G-A.
Other names: short protein forms H362Y.
Identifiers: ClinVar variation 944943 (VCV000944943.7), dbSNP rs1186265538, ClinGen allele CA372688111.